The following is an entry in ClinVar:

ClinVar aggregate classification (germline): Uncertain significance (1 of 4 stars; one submission).

gnomAD v4.1: 1 of 1,614,034 alleles (0.000062%); highest among the groups gnomAD compares: Non-Finnish European, 0.000085%; no homozygotes.

Submission:

Labcorp Genetics (formerly Invitae), Labcorp
Classification: Uncertain significance. Last evaluated: 2024-06-10. Review status: criteria provided, single submitter. Criteria: Invitae Variant Classification Sherloc (09022015). Collection method: clinical testing. Allele origin: germline.
Comment: This sequence change replaces glutamic acid, which is acidic and polar, with glutamine, which is neutral and polar, at codon 1206 of the POLR3A protein (p.Glu1206Gln). This variant is not present in population databases (gnomAD no frequency). This variant has not been reported in the literature in individuals affected with POLR3A-related conditions. Advanced modeling of protein sequence and biophysical properties (such as structural, functional, and spatial information, amino acid conservation, physicochemical variation, residue mobility, and thermodynamic stability) performed at Invitae indicates that this missense variant is not expected to disrupt POLR3A protein function with a negative predictive value of 80%. In summary, the available evidence is currently insufficient to determine the role of this variant in disease. Therefore, it has been classified as a Variant of Uncertain Significance.

NM_007055.4(POLR3A):c.3616G>C (p.Glu1206Gln)

Gene: POLR3A (RNA polymerase III subunit A; minus strand). Cytogenetic location: 10q22.3.
Variant type: single nucleotide variant.
Coding change: c.3616G>C on transcript NM_007055.4 (MANE Select); coding-DNA position 3616, G replaced by C.
Protein change: p.Glu1206Gln; replaces glutamic acid 1206 with glutamine.
Molecular consequence: missense variant.
Genome position (GRCh38, 1-based): chr10:77,982,297, C>G on the plus strand (G>C on the coding strand, the complement: POLR3A is on the minus strand). VCF-style: chr10-77982297-C-G. GRCh37 (hg19) VCF-style: chr10-79742055-C-G.
Other names: short protein forms E1206Q.
Identifiers: ClinVar variation 3701748 (VCV003701748.2).